The following is an entry in ClinVar:

ClinVar aggregate classification (germline): Uncertain significance (1 of 4 stars; one submission).

Conditions:
Cardiovascular phenotype. Identifiers: MedGen CN230736.

Submission:

Ambry Genetics
Classification: Uncertain significance for Cardiovascular phenotype. Last evaluated: 2023-10-10. Review status: criteria provided, single submitter. Criteria: Ambry Variant Classification Scheme 2023. Collection method: clinical testing. Allele origin: germline.
Comment: The p.P67A variant (also known as c.199C>G), located in coding exon 2 of the LCAT gene, results from a C to G substitution at nucleotide position 199. The proline at codon 67 is replaced by alanine, an amino acid with highly similar properties. This amino acid position is conserved. In addition, the in silico prediction for this alteration is inconclusive. Since supporting evidence is limited at this time, the clinical significance of this alteration remains unclear.

NM_000229.2(LCAT):c.199C>G (p.Pro67Ala)

Gene: LCAT (lecithin-cholesterol acyltransferase; minus strand). Cytogenetic location: 16q22.1.
Variant type: single nucleotide variant.
Coding change: c.199C>G on transcript NM_000229.2 (MANE Select); coding-DNA position 199, C replaced by G.
Protein change: p.Pro67Ala; replaces proline 67 with alanine.
Molecular consequence: missense variant.
Genome position (GRCh38, 1-based): chr16:67,943,168, G>C on the plus strand (C>G on the coding strand, the complement: LCAT is on the minus strand). VCF-style: chr16-67943168-G-C. GRCh37 (hg19) VCF-style: chr16-67977071-G-C.
Other names: short protein forms P67A.
Identifiers: ClinVar variation 3230700 (VCV003230700.1), dbSNP rs2544407578, ClinGen allele CA396381998.